The following is an entry in ClinVar:

NC_000017.10:g.(465986_489509)_(489605_505034)dup

Gene: VPS53 (VPS53 subunit of GARP complex; minus strand). Cytogenetic location: 17p13.3.
Variant type: Duplication.
Identifiers: ClinVar variation 3068938 (VCV003068938.2).

ClinVar aggregate classification (germline): Uncertain significance (1 of 4 stars; one submission).

Submission:

Women's Health and Genetics/Laboratory Corporation of America, LabCorp
Classification: Uncertain significance. Last evaluated: 2025-07-25. Review status: criteria provided, single submitter. Criteria: LabCorp Variant Classification Summary - May 2015. Collection method: clinical testing. Allele origin: germline.
Comment: Variant summary: The variant involves the duplication of exon 13 in the VPS53 gene. It is assumed to be a tandem duplication in direct orientation (PMIDs: 25640679, 30054569). This Copy Number Variant (CNV) is expected to alter the reading frame and predicted to result in a truncation or absence of the encoded protein due to nonsense mediated decay (NMD). A presumed nomenclature of c.(1218+1_1219-1)_(1313+1_1314-1)dup has been designated for the purposes of this classification. The variant was absent in 20442 control chromosomes (gnomAD). The available data on variant occurrences in the general population are insufficient to allow any conclusion about variant significance. To our knowledge, no occurrence of c.(1218+1_1219-1)_(1313+1_1314-1)dup in individuals affected with Pontocerebellar Hypoplasia, Type 2E and no experimental evidence demonstrating its impact on protein function have been reported. No submitters have cited clinical-significance assessments for this variant to ClinVar. Based on the evidence outlined above, the variant was classified as uncertain significance.